The following is an entry in ClinVar:

ClinVar aggregate classification (germline): Uncertain significance (1 of 4 stars; one submission).

Conditions:
Hereditary cancer-predisposing syndrome. Also called: Neoplastic Syndromes, Hereditary; Tumor predisposition; Hereditary neoplastic syndrome; Hereditary Cancer Syndrome. Identifiers: Orphanet 140162, MedGen C0027672, MeSH D009386, MONDO:0015356.

Submission:

Ambry Genetics
Classification: Uncertain significance for Hereditary cancer-predisposing syndrome. Last evaluated: 2023-01-02. Review status: criteria provided, single submitter. Criteria: Ambry Variant Classification Scheme 2023. Collection method: clinical testing. Allele origin: germline.
Comment: The p.C1853S variant (also known as c.5558G>C), located in coding exon 10 of the BRCA2 gene, results from a G to C substitution at nucleotide position 5558. The cysteine at codon 1853 is replaced by serine, an amino acid with dissimilar properties. This amino acid position is conserved. In addition, this alteration is predicted to be tolerated by in silico analysis. Since supporting evidence is limited at this time, the clinical significance of this alteration remains unclear.

NM_000059.4(BRCA2):c.5558G>C (p.Cys1853Ser)

Gene: BRCA2 (BRCA2 DNA repair associated; plus strand). Cytogenetic location: 13q13.1.
Variant type: single nucleotide variant.
Coding change: c.5558G>C on transcript NM_000059.4 (MANE Select); coding-DNA position 5558, G replaced by C.
Protein change: p.Cys1853Ser; replaces cysteine 1853 with serine.
Molecular consequence: missense variant. On other transcripts: non-coding transcript variant (1), intron variant (2).
Genome position (GRCh38, 1-based): chr13:32,339,913, G>C. VCF-style: chr13-32339913-G-C. GRCh37 (hg19) VCF-style: chr13-32914050-G-C.
Other names: c.1910-4645G>C (NM_001406721.1); c.425-4645G>C (NM_001406722.1); c.5558G>C, p.Cys1853Ser (NM_001406719.1, NM_001406720.1); short protein forms C1853S.
Identifiers: ClinVar variation 2451528 (VCV002451528.2), dbSNP rs2072532051, ClinGen allele CA387785969.